The following is an entry in ClinVar:

NM_014249.4(NR2E3):c.1128G>A (p.Pro376=)

Gene: NR2E3 (nuclear receptor subfamily 2 group E member 3; plus strand). Cytogenetic location: 15q23.
Variant type: single nucleotide variant.
Coding change: c.1128G>A on transcript NM_014249.4 (MANE Select); coding-DNA position 1128, G replaced by A.
Protein change: p.Pro376=; no amino-acid change (proline 376 retained).
Molecular consequence: synonymous variant.
Genome position (GRCh38, 1-based): chr15:71,817,579, G>A. VCF-style: chr15-71817579-G-A. GRCh37 (hg19) VCF-style: chr15-72109920-G-A.
Other names: c.1128G>A (NM_014249.3).
Identifiers: ClinVar variation 1122745 (VCV001122745.12), dbSNP rs755989819, ClinGen allele CA7640527.

ClinVar aggregate classification (germline): Likely benign. Review status: criteria provided, multiple submitters, no conflicts (2 of 4 stars). 3 submissions from 3 submitters: Likely benign (2). 1 of the submissions does not count toward it. Last evaluated 2025-04-21.

Conditions:
NR2E3-related disorder. Also called: NR2E3-related condition; NR2E3-related disorders. Identifiers: MedGen CN239387.

Allele frequency attached by ClinVar (database versions not stated): ExAC 0.00002; gnomAD 0.00002; gnomAD exomes 0.00004 and 0.00005; TOPMed 0.00007.
gnomAD v4.1: 71 of 1,600,310 alleles (0.0044%); highest among the groups gnomAD compares: Non-Finnish European, 0.0056%; no homozygotes.

Submissions (3):

Labcorp Genetics (formerly Invitae), Labcorp
Classification: Likely benign. Last evaluated: 2025-04-21. Review status: criteria provided, single submitter. Criteria: Invitae Variant Classification Sherloc (09022015). Collection method: clinical testing. Allele origin: germline.

Blueprint Genetics
Classification: Likely benign. Last evaluated: 2024-02-12. Review status: criteria provided, single submitter. Criteria: ACMG Guidelines, 2015. Collection method: clinical testing. Allele origin: germline.

PreventionGenetics, part of Exact Sciences
Classification: Likely benign for NR2E3-related condition. Last evaluated: 2022-06-21. Review status: no assertion criteria provided. Collection method: clinical testing. Allele origin: germline. Not counted in ClinVar's aggregate classification.
Comment: This variant is classified as likely benign based on ACMG/AMP sequence variant interpretation guidelines (Richards et al. 2015 PMID: 25741868, with internal and published modifications).